The following is an entry in ClinVar:

NM_177972.3(TUB):c.1211G>C (p.Arg404Pro)

Genes: RIC3 (RIC3 acetylcholine receptor chaperone; minus strand), TUB (TUB bipartite transcription factor; plus strand). Cytogenetic location: 11p15.4.
Variant type: single nucleotide variant.
Coding change: c.1211G>C on transcript NM_177972.3 (MANE Select); coding-DNA position 1211, G replaced by C.
Protein change: p.Arg404Pro; replaces arginine 404 with proline.
Molecular consequence: missense variant.
Genome position (GRCh38, 1-based): chr11:8,100,597, G>C. VCF-style: chr11-8100597-G-C. GRCh37 (hg19) VCF-style: chr11-8122144-G-C.
Other names: c.1376G>C, p.Arg459Pro (NM_003320.5); short protein forms R404P, R459P.
Identifiers: ClinVar variation 3345723 (VCV003345723.1).

ClinVar aggregate classification (germline): Uncertain significance (0 of 4 stars; one submission).

Conditions:
TUB-related disorder. Also called: TUB-related condition.

gnomAD v4.1: 1 of 1,613,558 alleles (0.000062%); highest among the groups gnomAD compares: Non-Finnish European, 0.000085%; no homozygotes.

Submission:

PreventionGenetics, part of Exact Sciences
Classification: Uncertain significance for TUB-related condition. Last evaluated: 2024-06-28. Review status: no assertion criteria provided. Collection method: clinical testing. Allele origin: germline.
Comment: The TUB c.1376G>C variant is predicted to result in the amino acid substitution p.Arg459Pro. To our knowledge, this variant has not been reported in the literature or in a large population database, indicating this variant is rare. At this time, the clinical significance of this variant is uncertain due to the absence of conclusive functional and genetic evidence.